The following is an entry in ClinVar:

NM_003924.4(PHOX2B):c.741_755dup (p.Ala256_Ala260dup)

Genes: PHOX2B (paired like homeobox 2B; minus strand), LOC110011216 (paired like homeobox 2b polyalanine repeat instability region; plus strand). Cytogenetic location: 4p13.
Variant type: Duplication.
Coding change: c.741_755dup on transcript NM_003924.4 (MANE Select); coding-DNA positions 741 to 755, 15 bases duplicated (CGCGGCAGCGGCGGC).
Protein change: p.Ala256_Ala260dup.
Molecular consequence: inframe insertion.
Genome position (GRCh38, 1-based): chr4:41,745,997-41,746,011, GCCGCCGCTGCCGCG duplicated on the plus strand (CGCGGCAGCGGCGGC on the coding strand, the reverse complement: PHOX2B is on the minus strand); duplicating any 15 consecutive bases within chr4:41,745,997-41,746,019 gives the same sequence; the c. name uses the placement nearest the transcript's 3' end. VCF-style (leftmost placement, unchanged base first): chr4-41745996-C-CGCCGCCGCTGCCGCG. GRCh37 (hg19) VCF-style: chr4-41748013-C-CGCCGCCGCTGCCGCG.
Identifiers: ClinVar variation 802070 (VCV000802070.4), dbSNP rs775006915, ClinGen allele CA915943035.

ClinVar aggregate classification (germline): Pathogenic. Review status: criteria provided, multiple submitters, no conflicts (2 of 4 stars). 2 submissions from 2 submitters: Pathogenic (2). Last evaluated 2024-12-30.

Conditions:
Hereditary cancer-predisposing syndrome. Also called: Hereditary neoplastic syndrome; Neoplastic Syndromes, Hereditary; Tumor predisposition; Hereditary Cancer Syndrome. Identifiers: Orphanet 140162, MedGen C0027672, MeSH D009386, MONDO:0015356.
Congenital central hypoventilation. Also called: Congenital Central Hypoventilation Syndrome. Identifiers: Orphanet 661, Orphanet 99803, MedGen C1275808, MONDO:0800031. Disease mechanism: gain of function.

Submissions (2):

Ambry Genetics
Classification: Pathogenic for Hereditary cancer-predisposing syndrome. Last evaluated: 2024-12-30. Review status: criteria provided, single submitter. Criteria: Ambry Variant Classification Scheme 2023. Collection method: clinical testing. Allele origin: germline.
Comment: The p.Ala241[25] pathogenic mutation, located in coding exon 3 of the PHOX2B gene, results from an expansion of the polyalanine repeat region from 20 to 25 repeats. This expansion mutation is associated with congenital central hypoventilation syndrome (Amiel J et al. Nat. Genet., 2003 Apr;33:459-61; Matera I et al. J. Med. Genet., 2004 May;41:373-80). Based on the supporting evidence, this alteration is interpreted as a disease-causing mutation.

Mendelics
Classification: Pathogenic for Central hypoventilation syndrome, congenital, 1, with or without Hirschsprung disease. Last evaluated: 2019-05-28. Review status: criteria provided, single submitter. Criteria: Mendelics Assertion Criteria 2017. Collection method: clinical testing. Allele origin: unknown.

Literature cited by the submitters: PubMed 12640453 (cited by Ambry Genetics); PubMed 15121777 (cited by Ambry Genetics).